The following is an entry in ClinVar:

NM_015087.5(SPART):c.*2123T>C

Gene: SPART (spartin; minus strand). Cytogenetic location: 13q13.3.
Variant type: single nucleotide variant.
Coding change: c.*2123T>C on transcript NM_015087.5 (MANE Select); 2123 bases downstream of the stop codon, T replaced by C.
Molecular consequence: 3 prime UTR variant.
Genome position (GRCh38, 1-based): chr13:36,302,242, A>G on the plus strand (T>C on the coding strand, the complement: SPART is on the minus strand). VCF-style: chr13-36302242-A-G. GRCh37 (hg19) VCF-style: chr13-36876379-A-G.
Other names: c.*2123T>C (NM_001142294.2, NM_001142295.2, NM_001142296.2).
Identifiers: ClinVar variation 311743 (VCV000311743.6), dbSNP rs78129833, ClinGen allele CA10634148.

ClinVar aggregate classification (germline): Benign. Review status: criteria provided, multiple submitters, no conflicts (2 of 4 stars). 2 submissions from 2 submitters: Benign (2). Last evaluated 2018-01-13.

Conditions:
Troyer syndrome (SPG20). Identifiers: Orphanet 101000, MedGen C0393559, MONDO:0010156, OMIM 275900.

Allele frequency attached by ClinVar (database versions not stated): gnomAD 0.23770; TOPMed 0.24160; 1000 Genomes Project 30x 0.28264; 1000 Genomes Project 0.28674.

Submissions (2):

Illumina Laboratory Services, Illumina
Classification: Benign for Troyer syndrome. Last evaluated: 2018-01-13. Review status: criteria provided, single submitter. Criteria: ICSL Variant Classification Criteria 13 December 2019. Collection method: clinical testing. Allele origin: germline.
Comment: This variant was observed in the ICSL laboratory as part of a predisposition screen in an ostensibly healthy population. It had not been previously curated by ICSL or reported in the Human Gene Mutation Database (HGMD: prior to June 1st, 2018), and was therefore a candidate for classification through an automated scoring system. Utilizing variant allele frequency, disease prevalence and penetrance estimates, and inheritance mode, an automated score was calculated to assess if this variant is too frequent to cause the disease. Based on the score and internal cut-off values, a variant classified as benign is not then subjected to further curation. The score for this variant resulted in a classification of benign for this disease.

Breakthrough Genomics
Classification: Benign. Review status: criteria provided, single submitter. Criteria: ACMG Guidelines, 2015. Collection method: not provided. Allele origin: germline. Inheritance: Autosomal recessive inheritance. Affected: yes.